The following is an entry in ClinVar:

NM_001267550.2(TTN):c.69745del (p.Val23249fs)

Genes: TTN (titin; minus strand), TTN-AS1 (TTN antisense RNA 1; plus strand), LOC126806422 (BRD4-independent group 4 enhancer GRCh37_chr2:179440205-179441404; plus strand). Cytogenetic location: 2q31.2.
Variant type: Deletion.
Coding change: c.69745del on transcript NM_001267550.2 (MANE Select); coding-DNA position 69745, one base deleted (G; older notation c.69745delG).
Protein change: p.Val23249fs; shifts the reading frame from valine 23249.
Molecular consequence: frameshift variant.
Genome position (GRCh38, 1-based): chr2:178,576,387, C deleted on the plus strand (G on the coding strand, the reverse complement: TTN is on the minus strand). VCF-style (leftmost placement, unchanged base first): chr2-178576386-AC-A. GRCh37 (hg19) VCF-style: chr2-179441113-AC-A.
Other names: c.64822del, p.Val21608fs (NM_001256850.1); c.42550del, p.Val14184fs (NM_003319.4); c.62041del, p.Val20681fs (NM_133378.4); c.42925del, p.Val14309fs (NM_133432.3); c.43126del, p.Val14376fs (NM_133437.4); short protein forms V14184fs, V14309fs, V14376fs, V20681fs, V21608fs, V23249fs.
Identifiers: ClinVar variation 4535352 (VCV004535352.6).

ClinVar aggregate classification (germline): Likely pathogenic (1 of 4 stars; one submission).

Submission:

CeGaT Center for Human Genetics Tuebingen
Classification: Likely pathogenic. Last evaluated: 2025-11-01. Review status: criteria provided, single submitter. Criteria: CeGaT Center For Human Genetics Tuebingen Variant Classification Criteria Version 2. Collection method: clinical testing. Allele origin: germline. Affected: yes. Observed: 1 variant allele.
Comment: TTN: PVS1:Strong, PM2